The following is an entry in ClinVar:

ClinVar aggregate classification (germline): Likely benign (1 of 4 stars; one submission).

gnomAD v4.1: 4,291 of 1,614,058 alleles (0.27%); highest among the groups gnomAD compares: Non-Finnish European, 0.31%; 8 homozygotes.

Submission:

CeGaT Center for Human Genetics Tuebingen
Classification: Likely benign. Last evaluated: 2026-03-01. Review status: criteria provided, single submitter. Criteria: CeGaT Center For Human Genetics Tuebingen Variant Classification Criteria Version 2. Collection method: clinical testing. Allele origin: germline. Affected: yes. Observed: 2 variant alleles.
Comment: P2RY14: BP4, BP7

NM_014879.4(P2RY14):c.306C>T (p.Tyr102=)

Genes: MED12L (mediator complex subunit 12L; plus strand), P2RY14 (purinergic receptor P2Y14; minus strand). Cytogenetic location: 3q25.1.
Variant type: single nucleotide variant.
Coding change: c.306C>T on transcript NM_014879.4 (MANE Select); coding-DNA position 306, C replaced by T.
Protein change: p.Tyr102=; no amino-acid change (tyrosine 102 retained).
Molecular consequence: synonymous variant. On other transcripts: intron variant (2).
Genome position (GRCh38, 1-based): chr3:151,214,011, G>A on the plus strand (C>T on the coding strand, the complement: P2RY14 is on the minus strand). VCF-style: chr3-151214011-G-A. GRCh37 (hg19) VCF-style: chr3-150931799-G-A.
Other names: c.306C>T, p.Tyr102= (NM_001081455.2); c.2250+20345G>A (NM_001393769.1); c.2145+20345G>A (NM_053002.6).
Identifiers: ClinVar variation 3904902 (VCV003904902.10).